The following is an entry in ClinVar:

NC_000016.10:g.68815516del

Gene: CDH1 (cadherin 1; plus strand). Cytogenetic location: 16q22.1.
Variant type: Deletion.
Genome position: GRCh38 VCF-style: chr16-68815513-AG-A. GRCh37 (hg19) VCF-style: chr16-68849416-AG-A.
Identifiers: ClinVar variation 1075278 (VCV001075278.10), dbSNP rs2152134667, ClinGen allele CA2499223662.

ClinVar aggregate classification (germline): Pathogenic. Review status: criteria provided, multiple submitters, no conflicts (2 of 4 stars). 2 submissions from 2 submitters: Pathogenic (2). Last evaluated 2023-06-13.

Conditions:
Hereditary diffuse gastric adenocarcinoma (HDGC). Also called: DIFFUSE GASTRIC AND LOBULAR BREAST CANCER SYNDROME. Identifiers: Orphanet 26106, MedGen C1708349, MONDO:0007648, OMIM 137215.

Submissions (2):

Myriad Genetics, Inc.
Classification: Pathogenic for Hereditary diffuse gastric adenocarcinoma. Last evaluated: 2023-06-13. Review status: criteria provided, single submitter. Criteria: Myriad Autosomal Dominant, Autosomal Recessive and X-Linked Classification Criteria (2023). Collection method: clinical testing. Allele origin: unknown.
Comment: This variant is considered pathogenic. This variant creates a frameshift predicted to result in premature protein truncation.

Labcorp Genetics (formerly Invitae), Labcorp
Classification: Pathogenic for Hereditary diffuse gastric adenocarcinoma. Last evaluated: 2020-01-10. Review status: criteria provided, single submitter. Criteria: Invitae Variant Classification Sherloc (09022015). Collection method: clinical testing. Allele origin: germline.
Comment: For these reasons, this variant has been classified as Pathogenic. Loss-of-function variants in CDH1 are known to be pathogenic (PMID: 15235021, 20373070). This variant has not been reported in the literature in individuals with CDH1-related conditions. This variant is not present in population databases (ExAC no frequency). This sequence change creates a premature translational stop signal (p.Gly441Alafs*14) in the CDH1 gene. It is expected to result in an absent or disrupted protein product.

Literature cited by the submitters: PubMed 15235021 (cited by Labcorp Genetics (formerly Invitae), Labcorp); PubMed 20373070 (cited by Labcorp Genetics (formerly Invitae), Labcorp).